The following is an entry in ClinVar:

ClinVar aggregate classification (germline): Uncertain significance. Review status: criteria provided, multiple submitters, no conflicts (2 of 4 stars). 2 submissions from 2 submitters: Uncertain significance (2). Last evaluated 2026-04-02.

Conditions:
TTN-related disorder. Also called: TTN-related disorders; TTN-related condition; TTN-related disease.

gnomAD v4.1: 3 of 1,613,320 alleles (0.00019%); highest among the groups gnomAD compares: African/African-American, 0.0027%; no homozygotes.

Submissions (2):

Women's Health and Genetics/Laboratory Corporation of America, LabCorp
Classification: Uncertain significance. Last evaluated: 2026-04-02. Review status: criteria provided, single submitter. Criteria: LabCorp Variant Classification Summary - May 2015. Collection method: clinical testing. Allele origin: germline.
Comment: Variant summary: TTN NM_133378 c.51869C>G (p.Thr17290Arg), also known as NM_001267550 c.59573C>G (p.Thr19858Arg), results in a non-conservative amino acid change located in the the A-band region of the encoded protein sequence. Algorithms developed to predict the effect of missense changes on protein structure and function are either unavailable or do not agree on the potential impact of this missense change. The variant was absent in 248152 control chromosomes. The available data on variant occurrences in the general population are insufficient to allow any conclusion about variant significance. To our knowledge, no occurrence of c.51869C>G in individuals affected with TTN-related conditions and no experimental evidence demonstrating its impact on protein function have been reported. No submitters have cited clinical-significance assessments for this variant to ClinVar. Based on the evidence outlined above, the variant was classified as uncertain significance.

PreventionGenetics, part of Exact Sciences
Classification: Uncertain significance for TTN-related condition. Last evaluated: 2025-09-01. Review status: criteria provided, single submitter. Criteria: ACMG Guidelines, 2015. Collection method: clinical testing. Allele origin: germline.
Comment: The TTN c.59573C>G variant is predicted to result in the amino acid substitution p.Thr19858Arg. To our knowledge, this variant has not been reported in the literature or in a large population database (gnomAD), indicating this variant is rare. At this time, the clinical significance of this variant is uncertain due to the absence of conclusive functional and genetic evidence.

NM_001267550.2(TTN):c.59573C>G (p.Thr19858Arg)

Genes: TTN (titin; minus strand), TTN-AS1 (TTN antisense RNA 1; plus strand), LOC126806424 (CDK7 strongly-dependent group 2 enhancer GRCh37_chr2:179456337-179457536; plus strand). Cytogenetic location: 2q31.2.
Variant type: single nucleotide variant.
Coding change: c.59573C>G on transcript NM_001267550.2 (MANE Select); coding-DNA position 59573, C replaced by G.
Protein change: p.Thr19858Arg; replaces threonine 19858 with arginine.
Molecular consequence: missense variant.
Genome position (GRCh38, 1-based): chr2:178,592,432, G>C on the plus strand (C>G on the coding strand, the complement: TTN is on the minus strand). VCF-style: chr2-178592432-G-C. GRCh37 (hg19) VCF-style: chr2-179457159-G-C.
Other names: c.54650C>G, p.Thr18217Arg (NM_001256850.1); c.32378C>G, p.Thr10793Arg (NM_003319.4); c.51869C>G, p.Thr17290Arg (NM_133378.4); c.32753C>G, p.Thr10918Arg (NM_133432.3); c.32954C>G, p.Thr10985Arg (NM_133437.4); short protein forms T10793R, T10918R, T10985R, T17290R, T18217R, T19858R.
Identifiers: ClinVar variation 4848946 (VCV004848946.2).